The following is an entry in ClinVar:

NM_012330.4(KAT6B):c.3884C>A (p.Thr1295Asn)

Gene: KAT6B (lysine acetyltransferase 6B; plus strand). Cytogenetic location: 10q22.2.
Variant type: single nucleotide variant.
Coding change: c.3884C>A on transcript NM_012330.4 (MANE Select); coding-DNA position 3884, C replaced by A.
Protein change: p.Thr1295Asn; replaces threonine 1295 with asparagine.
Molecular consequence: missense variant.
Genome position (GRCh38, 1-based): chr10:75,028,708, C>A. VCF-style: chr10-75028708-C-A. GRCh37 (hg19) VCF-style: chr10-76788466-C-A.
Other names: c.3335C>A, p.Thr1112Asn (NM_001256468.2, NM_001370138.1); c.3008C>A, p.Thr1003Asn (NM_001256469.2, NM_001370139.1, NM_001370140.1 and 2 more transcripts); c.2846C>A, p.Thr949Asn (NM_001370132.1); c.2195C>A, p.Thr732Asn (NM_001370133.1); c.1799C>A, p.Thr600Asn (NM_001370134.1); c.1541C>A, p.Thr514Asn (NM_001370135.1); c.3884C>A, p.Thr1295Asn (NM_001370136.1, NM_001370137.1); c.2819C>A, p.Thr940Asn (NM_001370143.1, NM_001370144.1); short protein forms T1003N, T1112N, T1295N, T514N, T600N, T732N, T940N, T949N.
Identifiers: ClinVar variation 5020739 (VCV005020739.1).

ClinVar aggregate classification (germline): Uncertain significance (1 of 4 stars; one submission).

gnomAD v4.1: 1 of 1,613,980 alleles (0.000062%); highest among the groups gnomAD compares: Non-Finnish European, 0.000085%; no homozygotes.

Submission:

Dasa
Classification: Uncertain significance. Last evaluated: 2026-01-09. Review status: criteria provided, single submitter. Criteria: DASA Assertion Criteria. Collection method: clinical testing. Allele origin: germline.
Comment: NM_012330.4(KAT6B):c.3884C>A (p.Thr1295Asn) is a missense variant that results in the substitution of threonine with asparagine. This variant is rare in population databases. The currently available literature and clinical evidence are not sufficient to establish a definitive association between this variant and the reported condition. Therefore, this variant is classified as a variant of uncertain significance.